The following is an entry in ClinVar:

NM_001378454.1(ALMS1):c.375TAG[1] (p.Ser126del)

Gene: ALMS1 (ALMS1 centrosome and basal body associated protein; plus strand). Cytogenetic location: 2p13.1.
Variant type: Microsatellite.
Coding change: c.375TAG[1] on transcript NM_001378454.1 (MANE Select); one copy of the 3-base unit TAG starting at c.375; the reference has two copies in a row; one copy, 3 bases deleted.
Protein change: p.Ser126del; deletes serine 126.
Molecular consequence: inframe deletion.
Genome position (GRCh38, 1-based): chr2:73,408,675-73,408,677, TAG deleted; deleting any 3 consecutive bases within chr2:73,408,672-73,408,677 gives the same sequence; the position shown is the placement nearest the transcript's 3' end. VCF-style (leftmost placement, unchanged base first): chr2-73408671-ATAG-A. GRCh37 (hg19) VCF-style: chr2-73635799-ATAG-A.
Other names: c.381_383delTAG (NM_015120.4); c.378TAG[1], p.Ser127del (NM_015120.4); c.378_380delTAG (NM_015120.4); short protein forms S127del, S126del.
Identifiers: ClinVar variation 551364 (VCV000551364.7), dbSNP rs760942576, ClinGen allele CA1712822.

ClinVar aggregate classification (germline): Uncertain significance. Review status: criteria provided, multiple submitters, no conflicts (2 of 4 stars). 5 submissions from 5 submitters: Uncertain significance (3). 2 of the submissions do not count toward it. Last evaluated 2025-05-16.

Conditions:
ALMS1-related disorder. Also called: ALMS1-related condition.
Cardiovascular phenotype. Identifiers: MedGen CN230736.
Alstrom syndrome (ALMS). Identifiers: Orphanet 64, MedGen C0268425, MONDO:0008763, OMIM 203800.

Submissions (5):

Women's Health and Genetics/Laboratory Corporation of America, LabCorp
Classification: Uncertain significance. Last evaluated: 2025-05-16. Review status: criteria provided, single submitter. Criteria: LabCorp Variant Classification Summary - May 2015. Collection method: clinical testing. Allele origin: germline.
Comment: Variant summary: ALMS1 c.378_380delTAG (p.Ser126del) results in an in-frame deletion that is predicted to remove one amino acids from the encoded protein. The variant allele was found at a frequency of 2.4e-05 in 249416 control chromosomes. The available data on variant occurrences in the general population are insufficient to allow any conclusion about variant significance. To our knowledge, no occurrence of c.378_380delTAG in individuals affected with Alstrom Syndrome and no experimental evidence demonstrating its impact on protein function have been reported. ClinVar contains an entry for this variant (Variation ID: 551364). Based on the evidence outlined above, the variant was classified as uncertain significance.

Ambry Genetics
Classification: Uncertain significance for Cardiovascular phenotype. Last evaluated: 2023-10-26. Review status: criteria provided, single submitter. Criteria: Ambry Variant Classification Scheme 2023. Collection method: clinical testing. Allele origin: germline.
Comment: The c.381_383delTAG variant (also known as p.S127del) is located in coding exon 2 of the ALMS1 gene. This variant results from an in-frame TAG deletion at nucleotide positions 381 to 383. This results in the in-frame deletion of a serine at codon 127. This amino acid position is not well conserved in available vertebrate species. In addition, the in silico prediction for this alteration is inconclusive (Choi Y et al. PLoS ONE. 2012; 7(10):e46688). Since supporting evidence is limited at this time, the clinical significance of this alteration remains unclear.

Labcorp Genetics (formerly Invitae), Labcorp
Classification: Uncertain significance for Alstrom syndrome. Last evaluated: 2022-08-06. Review status: criteria provided, single submitter. Criteria: Invitae Variant Classification Sherloc (09022015). Collection method: clinical testing. Allele origin: germline.
Comment: This variant, c.381_383del, results in the deletion of 1 amino acid(s) of the ALMS1 protein (p.Ser127del), but otherwise preserves the integrity of the reading frame. This variant is present in population databases (rs760942576, gnomAD 0.004%). This variant has not been reported in the literature in individuals affected with ALMS1-related conditions. ClinVar contains an entry for this variant (Variation ID: 551364). Experimental studies and prediction algorithms are not available or were not evaluated, and the functional significance of this variant is currently unknown. In summary, the available evidence is currently insufficient to determine the role of this variant in disease. Therefore, it has been classified as a Variant of Uncertain Significance.

PreventionGenetics, part of Exact Sciences
Classification: Uncertain significance for ALMS1-related condition. Last evaluated: 2023-12-20. Review status: no assertion criteria provided. Collection method: clinical testing. Allele origin: germline. Not counted in ClinVar's aggregate classification.
Comment: The ALMS1 c.378_380delTAG variant is predicted to result in an in-frame deletion (p.Ser126del). To our knowledge, this variant has not been reported in the literature. This variant is reported in 0.0040% of alleles in individuals of European (Finnish) descent in gnomAD. At this time, the clinical significance of this variant is uncertain due to the absence of conclusive functional and genetic evidence.

Counsyl
Classification: Uncertain significance for Alstrom syndrome. Last evaluated: 2017-04-05. Review status: no assertion criteria provided. Collection method: clinical testing. Allele origin: unknown. Not counted in ClinVar's aggregate classification.